The following is an entry in ClinVar:

ClinVar aggregate classification (germline): Benign. Review status: criteria provided, multiple submitters, no conflicts (2 of 4 stars). 3 submissions from 3 submitters: Benign (3). Last evaluated 2024-07-15.

Allele frequency attached by ClinVar (database versions not stated): gnomAD 0.68351 and 0.68574; TOPMed 0.68891; 1000 Genomes Project 0.69569; 1000 Genomes Project 30x 0.70347.
gnomAD v4.1: 929,522 of 1,511,150 alleles (62%); highest among the groups gnomAD compares: African/African-American, 90%; 291,798 homozygotes.

Submissions (3):

Unidad de Genómica Garrahan, Hospital de Pediatría Garrahan
Classification: Benign. Last evaluated: 2024-07-15. Review status: criteria provided, single submitter. Criteria: ACMG Guidelines, 2015. Collection method: clinical testing. Allele origin: germline. Affected: no. Observed: 77 variant alleles.
Comment: This variant is classified as Benign based on local population frequency. This variant was detected in 83% of patients studied in a panel designed for Epileptic and Developmental Encephalopathy and Progressive Myoclonus Epilepsy. Number of patients: 77. Only high quality variants are reported.

GeneDx
Classification: Benign. Last evaluated: 2021-05-11. Review status: criteria provided, single submitter. Criteria: GeneDx Variant Classification Process June 2021. Collection method: clinical testing. Allele origin: germline. Affected: yes.

Breakthrough Genomics
Classification: Benign. Review status: criteria provided, single submitter. Criteria: ACMG Guidelines, 2015. Collection method: not provided. Allele origin: germline. Inheritance: Autosomal dominant inheritance. Affected: yes.

NM_005235.3(ERBB4):c.742-62C>T

Gene: ERBB4 (erb-b2 receptor tyrosine kinase 4; minus strand). Cytogenetic location: 2q34.
Variant type: single nucleotide variant.
Coding change: c.742-62C>T on transcript NM_005235.3 (MANE Select); 62 bases into the intron before coding-DNA position 742, C replaced by T.
Molecular consequence: intron variant.
Genome position (GRCh38, 1-based): chr2:211,722,596, G>A on the plus strand (C>T on the coding strand, the complement: ERBB4 is on the minus strand). VCF-style: chr2-211722596-G-A. GRCh37 (hg19) VCF-style: chr2-212587321-G-A.
Other names: c.742-62C>T (NM_001042599.2, NM_001439006.1, NM_001439005.1).
Identifiers: ClinVar variation 1228630 (VCV001228630.6), dbSNP rs13002712, ClinGen allele CA64767505.